The following is an entry in ClinVar:

NM_001365276.2(TNXB):c.9271C>G (p.Leu3091Val)

Gene: TNXB (tenascin XB; minus strand). Cytogenetic location: 6p21.33.
Variant type: single nucleotide variant.
Coding change: c.9271C>G on transcript NM_001365276.2 (MANE Select); coding-DNA position 9271, C replaced by G.
Protein change: p.Leu3091Val; replaces leucine 3091 with valine.
Molecular consequence: missense variant.
Genome position (GRCh38, 1-based): chr6:32,050,166, G>C on the plus strand (C>G on the coding strand, the complement: TNXB is on the minus strand). VCF-style: chr6-32050166-G-C. GRCh37 (hg19) VCF-style: chr6-32017943-G-C.
Other names: p.Leu3089Val; c.9265C>G, p.Leu3089Val (NM_019105.8); short protein forms L3089V, L3091V.
Identifiers: ClinVar variation 1311018 (VCV001311018.9), dbSNP rs748558173, ClinGen allele CA3733580.

ClinVar aggregate classification (germline): Conflicting classifications of pathogenicity. Review status: criteria provided, conflicting classifications (1 of 4 stars). 4 submissions from 4 submitters: Uncertain significance (3); Likely benign (1). Last evaluated 2024-04-24.

Conditions:
Ehlers-Danlos syndrome (EDS). Identifiers: Orphanet 98249, MedGen C0013720, MONDO:0020066.
Cardiovascular phenotype. Identifiers: MedGen CN230736.

Allele frequency attached by ClinVar (database versions not stated): TOPMed below 0.00001; gnomAD 0.00001; gnomAD exomes 0.00001; ExAC 0.00003.

Submissions (4):

Ambry Genetics
Classification: Likely benign for Cardiovascular phenotype. Last evaluated: 2024-04-24. Review status: criteria provided, single submitter. Criteria: Ambry Variant Classification Scheme 2023. Collection method: clinical testing. Allele origin: germline.

Mayo Clinic Laboratories, Mayo Clinic
Classification: Uncertain significance. Last evaluated: 2024-02-26. Review status: criteria provided, single submitter. Criteria: ACMG Guidelines, 2015. Collection method: clinical testing. Allele origin: germline. Observed: 1 variant allele.
Comment: BP4_strong

GeneDx
Classification: Uncertain significance. Last evaluated: 2024-01-17. Review status: criteria provided, single submitter. Criteria: GeneDx Variant Classification Process June 2021. Collection method: clinical testing. Allele origin: germline. Affected: yes.
Comment: Has not been previously published as pathogenic or benign to our knowledge; Not observed at significant frequency in large population cohorts (gnomAD); In silico analysis supports that this missense variant does not alter protein structure/function

Genome Diagnostics Laboratory, The Hospital for Sick Children
Classification: Uncertain significance for Ehlers-Danlos syndrome. Last evaluated: 2020-05-01. Review status: criteria provided, single submitter. Criteria: ACMG Guidelines, 2015. Collection method: clinical testing. Allele origin: germline.